The following is an entry in ClinVar:

NM_000093.5(COL5A1):c.2722C>T (p.Pro908Ser)

Gene: COL5A1 (collagen type V alpha 1 chain; plus strand). Cytogenetic location: 9q34.3.
Variant type: single nucleotide variant.
Coding change: c.2722C>T on transcript NM_000093.5 (MANE Select); coding-DNA position 2722, C replaced by T.
Protein change: p.Pro908Ser; replaces proline 908 with serine.
Molecular consequence: missense variant.
Genome position (GRCh38, 1-based): chr9:134,795,103, C>T. VCF-style: chr9-134795103-C-T. GRCh37 (hg19) VCF-style: chr9-137686949-C-T.
Other names: c.2722C>T, p.Pro908Ser (NM_001278074.1); short protein forms P908S.
Identifiers: ClinVar variation 373260 (VCV000373260.22), dbSNP rs144985214, ClinGen allele CA5319557.

ClinVar aggregate classification (germline): Conflicting classifications of pathogenicity. Review status: criteria provided, conflicting classifications (1 of 4 stars). 6 submissions from 5 submitters: Uncertain significance (3); Benign (1); Likely benign (1). 1 of the submissions does not count toward it. Last evaluated 2026-05-04.

Conditions:
Ehlers-Danlos syndrome, classic type, 1 (EDSCL1). Also called: EHLERS-DANLOS SYNDROME, GRAVIS TYPE; EHLERS-DANLOS SYNDROME, SEVERE CLASSIC TYPE; Ehlers-Danlos Syndrome, Classic Type, COL5A1-Related; EDS I; Ehlers-Danlos syndrome, type 1. Identifiers: MedGen C0268335, MONDO:0019567, OMIM 130000.
Fibromuscular dysplasia, multifocal. Identifiers: MedGen C5543412, MONDO:0859151, OMIM 619329.
Familial thoracic aortic aneurysm and aortic dissection (TAAD). Also called: Thoracic aortic aneurysms and dissections. Identifiers: Orphanet 91387, MedGen C4707243, MONDO:0019625.

Allele frequency attached by ClinVar (database versions not stated): gnomAD exomes 0.00003 and 0.00006; gnomAD 0.00005; ExAC 0.00004; ESP Exome Variant Server 0.00008; TOPMed 0.00004.
gnomAD v4.1: 89 of 1,613,944 alleles (0.0055%); highest among the groups gnomAD compares: Non-Finnish European, 0.0071%; no homozygotes.

Submissions (6):

Women's Health and Genetics/Laboratory Corporation of America, LabCorp
Classification: Likely benign. Last evaluated: 2026-05-04. Review status: criteria provided, single submitter. Criteria: LabCorp Variant Classification Summary - May 2015. Collection method: clinical testing. Allele origin: germline.
Comment: Variant summary: COL5A1 c.2722C>T (p.Pro908Ser) results in a non-conservative amino acid change in the encoded protein sequence. Algorithms developed to predict the effect of missense changes on protein structure and function all suggest that this variant is likely to be disruptive. The variant allele was found at a frequency of 3.5e-05 in 282242 control chromosomes, predominantly at a frequency of 6.2e-05 within the Non-Finnish European subpopulation in the gnomAD database v2 database. The available data on variant occurrences in the general population are insufficient to allow any conclusion about variant significance. A total of 89 heterozygotes of this variant was found in the gnomAD v4 database. c.2722C>T has been observed in individual(s) affected with Ehlers-Danlos Syndrome, Classic Type (Kratzsch_2018). These report(s) do not provide unequivocal conclusions about association of the variant with Ehlers-Danlos Syndrome, Classic Type, 1. To our knowledge, no experimental evidence demonstrating an impact on protein function has been reported. The following publication has been ascertained in the context of this evaluation (PMID: 29578302). ClinVar contains an entry for this variant (Variation ID: 373260). Based on the evidence outlined above, the variant was classified as likely benign.

Labcorp Genetics (formerly Invitae), Labcorp
Classification: Benign for Ehlers-Danlos syndrome, classic type, 1. Last evaluated: 2026-01-26. Review status: criteria provided, single submitter. Criteria: Invitae Variant Classification Sherloc (09022015). Collection method: clinical testing. Allele origin: germline.

Ambry Genetics
Classification: Uncertain significance for Familial thoracic aortic aneurysm and aortic dissection. Last evaluated: 2025-02-04. Review status: criteria provided, single submitter. Criteria: Ambry Variant Classification Scheme 2023. Collection method: clinical testing. Allele origin: germline.
Comment: The p.P908S variant (also known as c.2722C>T), located in coding exon 33 of the COL5A1 gene, results from a C to T substitution at nucleotide position 2722. The proline at codon 908 is replaced by serine, an amino acid with similar properties. This variant has been detected in an individual with reported to have features consistent with classic Ehlers-Danlos syndrome (Kratzsch J et al. J Dtsch Dermatol Ges, 2018 Apr;16:504-507). This amino acid position is highly conserved in available vertebrate species. In addition, the in silico prediction for this alteration is inconclusive. Since supporting evidence is limited at this time, the clinical significance of this alteration remains unclear.

GeneDx
Classification: Uncertain significance. Last evaluated: 2021-10-19. Review status: criteria provided, single submitter. Criteria: GeneDx Variant Classification Process June 2021. Collection method: clinical testing. Allele origin: germline. Affected: yes.
Comment: Has been reported in a patient with clinical features of Ehlers-Danlos syndrome in published literature (Kratzsch et al., 2018); In silico analysis supports that this missense variant has a deleterious effect on protein structure/function; Occurs in the triple helical domain at the X position in the canonical Gly-X-Y repeat; although this variant may have an effect on normal protein folding and function, missense substitution at the X position is not a common mechanism of disease (Symoens et al., 2013; Stenson et al., 2014); Reported in ClinVar as a variant of uncertain significance (ClinVar Variant ID# 373260; Landrum et al., 2016); This variant is associated with the following publications: (PMID: 29578302, 26582918)

Center for Genomics, Ann and Robert H. Lurie Children's Hospital of Chicago
Classification: Uncertain significance for Ehlers-Danlos syndrome, classic type, 1; Fibromuscular dysplasia, multifocal. Review status: criteria provided, single submitter. Criteria: ACMG Guidelines, 2015. Collection method: clinical testing. Allele origin: germline.
Comment: COL5A1 NM_000093.4 exon 33 p.Pro908Ser (c.2722C>T): This variant has not been reported in the literature but is present in 0.006% (8/128742) of European alleles in the Genome Aggregation Database. This variant is present in ClinVar (Variation ID:373260). Evolutionary conservation and computational predictive tools suggest that this variant may impact the protein. In summary, data on this variant is insufficient for disease classification. Therefore, the clinical significance of this variant is uncertain.

GeneDx
Classification: Uncertain significance. Last evaluated: 2016-11-17. Review status: flagged submission. Criteria: GeneDx Variant Classification (06012015). Collection method: clinical testing. Allele origin: germline. Affected: yes. Not counted in ClinVar's aggregate classification.
Comment: A variant of uncertain significance has been identified in the COL5A1 gene. The P908S variant has not been published as a pathogenic variant or been reported as a benign variant to our knowledge. This variant was not observed with any significant frequency in approximately 6,500 individuals of European and African American ancestry in the NHLBI Exome Sequencing Project or in the Exome Aggregation Consortium, indicating it is not a common benign variant in these populations. The P908S variant is a non-conservative amino acid substitution, which is likely to impact secondary protein structure as these residues differ in polarity, charge, size and/or other properties. In addition, this substitution occurs at a position that is conserved across species. Furthermore, in silico analysis predicts this variant is probably damaging to the protein structure/function. Nevertheless, no missense variants in nearby residues have been reported in the Human Gene Mutation Database in association with EDS (Stenson et al., 2014).Therefore, based on the currently available information, it is unclear whether this variant is pathogenic or benign.
ClinVar note: Reason: This record appears to be redundant with a more recent record from the same submitter.
ClinVar note: Notes: SCV000491840 appears to be redundant with SCV001802786.

Literature cited by the submitters: PubMed 29578302 (cited by Women's Health and Genetics/Laboratory Corporation of America, LabCorp and Ambry Genetics).